The following is an entry in ClinVar:

ClinVar aggregate classification (germline): Pathogenic/Likely pathogenic. Review status: criteria provided, multiple submitters, no conflicts (2 of 4 stars). 7 submissions from 7 submitters: Pathogenic (5); Likely pathogenic (1). 1 of the submissions does not count toward it. Last evaluated 2025-04-03.

Conditions:
KIF11-related disorder. Also called: KIF11-related condition.
Microcephaly with or without chorioretinopathy, lymphedema, or impaired intellectual development. Also called: MICROCEPHALY AND CHORIORETINOPATHY WITH OR WITHOUT MENTAL RETARDATION, AUTOSOMAL DOMINANT; MICROCEPHALY, LYMPHEDEMA, CHORIORETINAL DYSPLASIA SYNDROME; Microcephaly lymphedema chorioretinal dysplasia; Microcephaly with or without chorioretinopathy, lymphedema, or intellectual disability; Microcephaly with or without chorioretinopathy, lymphedema, or mental retardation. Identifiers: Orphanet 2526, MedGen C1835265, MONDO:0007918, OMIM 152950.
Retinal dystrophy. Also called: Inherited retinal dystrophy. Identifiers: Orphanet 71862, MedGen C0854723, MeSH D058499, MONDO:0019118, HP:0000556.

Submissions (7):

GeneDx
Classification: Pathogenic. Last evaluated: 2025-04-03. Review status: criteria provided, single submitter. Criteria: GeneDx Variant Classification Process June 2021. Collection method: clinical testing. Allele origin: germline. Affected: yes.
Comment: Nonsense variant predicted to result in protein truncation or nonsense mediated decay in a gene for which loss of function is a known mechanism of disease; Identified in a child with apparently isolated familial exudative vitreoretinopathy (FEVR); the variant was inherited from the similarly affected mother (PMID: 35456519); Not observed at significant frequency in large population cohorts (gnomAD); This variant is associated with the following publications: (PMID: 25124931, 30315573, 34582765, 22653704, 36707240, 32978145, 35456519)

Institute of Human Genetics, Univ. Regensburg, Univ. Regensburg
Classification: Pathogenic for Retinal dystrophy. Last evaluated: 2023-01-01. Review status: criteria provided, single submitter. Criteria: ACMG Guidelines, 2015. Collection method: clinical testing. Allele origin: germline. Affected: yes.

Blueprint Genetics
Classification: Pathogenic for KIF11-related disorders. Last evaluated: 2022-09-06. Review status: criteria provided, single submitter. Criteria: ACMG Guidelines, 2015. Collection method: clinical testing. Allele origin: germline. Affected: yes. Observed: 1 variant allele.

Clinical Genetics Laboratory, Skane University Hospital Lund
Classification: Likely pathogenic. Last evaluated: 2022-07-26. Review status: criteria provided, single submitter. Criteria: ACMG Guidelines, 2015. Collection method: clinical testing. Allele origin: germline. Affected: yes.

Labcorp Genetics (formerly Invitae), Labcorp
Classification: Pathogenic. Last evaluated: 2022-07-09. Review status: criteria provided, single submitter. Criteria: Invitae Variant Classification Sherloc (09022015). Collection method: clinical testing. Allele origin: germline.
Comment: For these reasons, this variant has been classified as Pathogenic. ClinVar contains an entry for this variant (Variation ID: 488844). This premature translational stop signal has been observed in individual(s) with KIF11-related conditions (PMID: 22653704). In at least one individual the variant was observed to be de novo. This variant is not present in population databases (gnomAD no frequency). This sequence change creates a premature translational stop signal (p.Arg47*) in the KIF11 gene. It is expected to result in an absent or disrupted protein product. Loss-of-function variants in KIF11 are known to be pathogenic (PMID: 22284827, 24281367).

Juno Genomics, Hangzhou Juno Genomics, Inc
Classification: Pathogenic for Microcephaly with or without chorioretinopathy, lymphedema, or impaired intellectual development. Review status: criteria provided, single submitter. Criteria: ACMG Guidelines, 2015. Collection method: clinical testing. Allele origin: germline. Affected: yes.
Comment: Absent from controls (or at extremely low frequency if recessive) in Genome Aggregation Database, Exome Sequencing Project, 1000 Genomes Project, or Exome Aggregation Consortium.;Null variant in a gene where loss of function (LOF) is a known mechanism of disease.;The prevalence of the variant in affected individuals is significantly increased compared to the prevalence in controls.;De novo (both maternity and paternity confirmed) in a patient with the disease and no family history.;Patient's phenotype or family history is highly specific for a disease with a single genetic etiology.

Service de Génétique Moléculaire, Hôpital Robert Debré
Classification: Likely pathogenic for Microcephaly with or without chorioretinopathy, lymphedema, or impaired intellectual development. Review status: no assertion criteria provided. Collection method: clinical testing. Allele origin: unknown. Affected: yes. Not counted in ClinVar's aggregate classification.

Literature cited by the submitters: PubMed 22653704 (cited by Institute of Human Genetics, Univ. Regensburg, Univ. Regensburg and Labcorp Genetics (formerly Invitae), Labcorp); PubMed 25124931 (cited by Institute of Human Genetics, Univ. Regensburg, Univ. Regensburg); PubMed 30315573 (cited by Institute of Human Genetics, Univ. Regensburg, Univ. Regensburg); PubMed 32978145 (cited by Institute of Human Genetics, Univ. Regensburg, Univ. Regensburg); PubMed 35456519 (cited by Institute of Human Genetics, Univ. Regensburg, Univ. Regensburg); PubMed 22284827 (cited by Labcorp Genetics (formerly Invitae), Labcorp); PubMed 24281367 (cited by Labcorp Genetics (formerly Invitae), Labcorp).

NM_004523.4(KIF11):c.139C>T (p.Arg47Ter)

Gene: KIF11 (kinesin family member 11; plus strand). Cytogenetic location: 10q23.33.
Variant type: single nucleotide variant.
Coding change: c.139C>T on transcript NM_004523.4 (MANE Select); coding-DNA position 139, C replaced by T.
Protein change: p.Arg47Ter; replaces arginine 47 with a stop codon.
Molecular consequence: nonsense.
Genome position (GRCh38, 1-based): chr10:92,606,326, C>T. VCF-style: chr10-92606326-C-T. GRCh37 (hg19) VCF-style: chr10-94366083-C-T.
Other names: short protein forms R47*.
Identifiers: ClinVar variation 488844 (VCV000488844.13), dbSNP rs1227480400, ClinGen allele CA377587806.